The following is an entry in ClinVar:

NM_176787.5(PIGN):c.443G>T (p.Gly148Val)

Gene: PIGN (phosphatidylinositol glycan anchor biosynthesis class N; minus strand). Cytogenetic location: 18q21.33.
Variant type: single nucleotide variant.
Coding change: c.443G>T on transcript NM_176787.5 (MANE Select); coding-DNA position 443, G replaced by T.
Protein change: p.Gly148Val; replaces glycine 148 with valine.
Molecular consequence: missense variant.
Genome position (GRCh38, 1-based): chr18:62,154,651, C>A on the plus strand (G>T on the coding strand, the complement: PIGN is on the minus strand). VCF-style: chr18-62154651-C-A. GRCh37 (hg19) VCF-style: chr18-59821884-C-A.
Other names: c.443G>T, p.Gly148Val (NM_012327.6); short protein forms G148V.
Identifiers: ClinVar variation 854759 (VCV000854759.10), dbSNP rs2036657789, ClinGen allele CA402602938.

ClinVar aggregate classification (germline): Conflicting classifications of pathogenicity. Review status: criteria provided, conflicting classifications (1 of 4 stars). 2 submissions from 2 submitters: Likely pathogenic (1); Uncertain significance (1). Last evaluated 2024-09-22.

Conditions:
Multiple congenital anomalies-hypotonia-seizures syndrome 1 (MCAHS1). Also called: PIGN-CDG; Congenital disorder of glycosylation due to PIGN deficiency; GLYCOSYLPHOSPHATIDYLINOSITOL BIOSYNTHESIS DEFECT 3. Identifiers: Orphanet 280633, MedGen C3279775, MONDO:0013563, OMIM 614080.

Allele frequency attached by ClinVar (database versions not stated): gnomAD exomes below 0.00001; TOPMed below 0.00001.
gnomAD v4.1: 1 of 1,366,212 alleles (0.000073%); no homozygotes.

Submissions (2):

GeneDx
Classification: Likely pathogenic. Last evaluated: 2024-09-22. Review status: criteria provided, single submitter. Criteria: GeneDx Variant Classification Process June 2021. Collection method: clinical testing. Allele origin: germline. Affected: yes.
Comment: Not observed at significant frequency in large population cohorts (gnomAD); In silico analysis supports that this missense variant has a deleterious effect on protein structure/function; This variant is associated with the following publications: (PMID: 35179230, 36322149)

Labcorp Genetics (formerly Invitae), Labcorp
Classification: Uncertain significance for Multiple congenital anomalies-hypotonia-seizures syndrome 1. Last evaluated: 2022-10-25. Review status: criteria provided, single submitter. Criteria: Invitae Variant Classification Sherloc (09022015). Collection method: clinical testing. Allele origin: germline.
Comment: In summary, the available evidence is currently insufficient to determine the role of this variant in disease. Therefore, it has been classified as a Variant of Uncertain Significance. Algorithms developed to predict the effect of missense changes on protein structure and function are either unavailable or do not agree on the potential impact of this missense change (SIFT: "Tolerated"; PolyPhen-2: "Possibly Damaging"; Align-GVGD: "Class C0"). ClinVar contains an entry for this variant (Variation ID: 854759). This variant has not been reported in the literature in individuals affected with PIGN-related conditions. This variant is not present in population databases (gnomAD no frequency). This sequence change replaces glycine, which is neutral and non-polar, with valine, which is neutral and non-polar, at codon 148 of the PIGN protein (p.Gly148Val).